The following is an entry in ClinVar:

NM_002299.4(LCT):c.5581A>G (p.Ser1861Gly)

Gene: LCT (lactase; minus strand). Cytogenetic location: 2q21.3.
Variant type: single nucleotide variant.
Coding change: c.5581A>G on transcript NM_002299.4 (MANE Select); coding-DNA position 5581, A replaced by G.
Protein change: p.Ser1861Gly; replaces serine 1861 with glycine.
Molecular consequence: missense variant.
Genome position (GRCh38, 1-based): chr2:135,788,527, T>C on the plus strand (A>G on the coding strand, the complement: LCT is on the minus strand). VCF-style: chr2-135788527-T-C. GRCh37 (hg19) VCF-style: chr2-136546097-T-C.
Other names: short protein forms S1861G.
Identifiers: ClinVar variation 1716686 (VCV001716686.5), dbSNP rs2467478123, ClinGen allele CA348585394.

ClinVar aggregate classification (germline): Uncertain significance (1 of 4 stars; one submission).

Submission:

Labcorp Genetics (formerly Invitae), Labcorp
Classification: Uncertain significance. Last evaluated: 2022-08-19. Review status: criteria provided, single submitter. Criteria: Invitae Variant Classification Sherloc (09022015). Collection method: clinical testing. Allele origin: germline.
Comment: This variant has not been reported in the literature in individuals affected with LCT-related conditions. Algorithms developed to predict the effect of missense changes on protein structure and function are either unavailable or do not agree on the potential impact of this missense change (SIFT: "Not Available"; PolyPhen-2: "Benign"; Align-GVGD: "Not Available"). In summary, the available evidence is currently insufficient to determine the role of this variant in disease. Therefore, it has been classified as a Variant of Uncertain Significance. This sequence change replaces serine, which is neutral and polar, with glycine, which is neutral and non-polar, at codon 1861 of the LCT protein (p.Ser1861Gly). This variant is not present in population databases (gnomAD no frequency).